The following is an entry in ClinVar:

NM_014975.3(MAST1):c.4695C>T (p.Pro1565=)

Gene: MAST1 (microtubule associated serine/threonine kinase 1; plus strand). Cytogenetic location: 19p13.13.
Variant type: single nucleotide variant.
Coding change: c.4695C>T on transcript NM_014975.3 (MANE Select); coding-DNA position 4695, C replaced by T.
Protein change: p.Pro1565=; no amino-acid change (proline 1565 retained).
Molecular consequence: synonymous variant.
Genome position (GRCh38, 1-based): chr19:12,874,852, C>T. VCF-style: chr19-12874852-C-T. GRCh37 (hg19) VCF-style: chr19-12985666-C-T.
Identifiers: ClinVar variation 3067733 (VCV003067733.22), dbSNP rs931883846, ClinGen allele CA305495910.

ClinVar aggregate classification (germline): Likely benign. Review status: criteria provided, multiple submitters, no conflicts (2 of 4 stars). 2 submissions from 2 submitters: Likely benign (2). Last evaluated 2025-09-14.

Allele frequency attached by ClinVar (database versions not stated): gnomAD exomes below 0.00001.
gnomAD v4.1: 6 of 1,599,946 alleles (0.00038%); highest among the groups gnomAD compares: Non-Finnish European, 0.00043%; no homozygotes.

Submissions (2):

Labcorp Genetics (formerly Invitae), Labcorp
Classification: Likely benign. Last evaluated: 2025-09-14. Review status: criteria provided, single submitter. Criteria: Invitae Variant Classification Sherloc (09022015). Collection method: clinical testing. Allele origin: germline.

CeGaT Center for Human Genetics Tuebingen
Classification: Likely benign. Last evaluated: 2024-03-01. Review status: criteria provided, single submitter. Criteria: CeGaT Center For Human Genetics Tuebingen Variant Classification Criteria Version 2. Collection method: clinical testing. Allele origin: germline. Affected: yes. Observed: 1 variant allele.
Comment: MAST1: PM2:Supporting, BP4, BP7